The following is an entry in ClinVar:

ClinVar aggregate classification (germline): Uncertain significance (1 of 4 stars; one submission).

Submission:

Labcorp Genetics (formerly Invitae), Labcorp
Classification: Uncertain significance. Last evaluated: 2022-06-11. Review status: criteria provided, single submitter. Criteria: Invitae Variant Classification Sherloc (09022015). Collection method: clinical testing. Allele origin: germline.
Comment: In summary, the available evidence is currently insufficient to determine the role of this variant in disease. Therefore, it has been classified as a Variant of Uncertain Significance. This sequence change replaces glutamic acid, which is acidic and polar, with glycine, which is neutral and non-polar, at codon 469 of the ARSG protein (p.Glu469Gly). This variant is not present in population databases (gnomAD no frequency). This variant has not been reported in the literature in individuals affected with ARSG-related conditions. Algorithms developed to predict the effect of missense changes on protein structure and function (SIFT, PolyPhen-2, Align-GVGD) all suggest that this variant is likely to be tolerated.

NM_001267727.2(ARSG):c.1406A>G (p.Glu469Gly)

Genes: ARSG (arylsulfatase G; plus strand), PRKAR1A (protein kinase cAMP-dependent type I regulatory subunit alpha; plus strand). Cytogenetic location: 17q24.2.
Variant type: single nucleotide variant.
Coding change: c.1406A>G on transcript NM_001267727.2 (MANE Select); coding-DNA position 1406, A replaced by G.
Protein change: p.Glu469Gly; replaces glutamic acid 469 with glycine.
Molecular consequence: missense variant. On other transcripts: intron variant (3).
Genome position (GRCh38, 1-based): chr17:68,420,291, A>G. VCF-style: chr17-68420291-A-G. GRCh37 (hg19) VCF-style: chr17-66416432-A-G.
Other names: c.1406A>G, p.Glu469Gly (NM_001352899.2, NM_001352900.2, NM_001352901.2 and 2 more transcripts); c.1403A>G, p.Glu468Gly (NM_001352903.2, NM_001352904.2, NM_001352905.2 and 2 more transcripts); c.1303+18841A>G (NM_001352910.2); c.1255+18841A>G (NM_001352909.2); c.-7+6496A>G (NM_001278433.2); short protein forms E469G, E468G.
Identifiers: ClinVar variation 2004699 (VCV002004699.4), dbSNP rs2509850874, ClinGen allele CA400749044.
Genomic context (GRCh38, chr17:68,420,291, plus strand): 5'-AGCATAAGTTTCCTCTGATTTTCAACCTGGAAGACGATACCGCAGAAGCTGTGCCCCTAG[A>G]AAGAGGTGGTGCGGAGTACCAGGCTGTGCTGCCCGAGGTCAGAAAGGTTCTTGCAGACGT-3'
Protein context (NP_001254656.1, residues 459-479): EDDTAEAVPL[Glu469Gly]RGGAEYQAVL